The following is an entry in ClinVar:

ClinVar aggregate classification (germline): Likely benign (0 of 4 stars; one submission).

Conditions:
VCP-related disorder. Also called: VCP-related disorders; VCP-related condition.

Submission:

PreventionGenetics, part of Exact Sciences
Classification: Likely benign for VCP-related condition. Last evaluated: 2023-10-16. Review status: no assertion criteria provided. Collection method: clinical testing. Allele origin: germline.
Comment: This variant is classified as likely benign based on ACMG/AMP sequence variant interpretation guidelines (Richards et al. 2015 PMID: 25741868, with internal and published modifications).

NM_007126.5(VCP):c.1359+10A>C

Gene: VCP (valosin containing protein; minus strand). Cytogenetic location: 9p13.3.
Variant type: single nucleotide variant.
Coding change: c.1359+10A>C on transcript NM_007126.5 (MANE Select); 10 bases into the intron after coding-DNA position 1359, A replaced by C.
Molecular consequence: intron variant.
Genome position (GRCh38, 1-based): chr9:35,061,005, T>G on the plus strand (A>C on the coding strand, the complement: VCP is on the minus strand). VCF-style: chr9-35061005-T-G. GRCh37 (hg19) VCF-style: chr9-35061002-T-G.
Other names: c.1224+10A>C (NM_001354927.2, NM_001354928.2).
Identifiers: ClinVar variation 3049753 (VCV003049753.2), dbSNP rs2490353713, ClinGen allele CA2740095454.
Genomic context (GRCh38, chr9:35,061,005, plus strand): 5'-GGGATGAGACTTATCAAGGGAGGGGTCAAAGCACGTATGTGTGTACCTGAGGCACGGGTG[T>G]GGTCCTTACCCGGAAGTCATCCATAGTAACTGCTAGAGAGTTCATGACCTCGGCATCAAT-3'